The following is an entry in ClinVar:

NM_002471.4(MYH6):c.967T>C (p.Ser323Pro)

Gene: MYH6 (myosin heavy chain 6; minus strand). Cytogenetic location: 14q11.2.
Variant type: single nucleotide variant.
Coding change: c.967T>C on transcript NM_002471.4 (MANE Select); coding-DNA position 967, T replaced by C.
Protein change: p.Ser323Pro; replaces serine 323 with proline.
Molecular consequence: missense variant.
Genome position (GRCh38, 1-based): chr14:23,402,732, A>G on the plus strand (T>C on the coding strand, the complement: MYH6 is on the minus strand). VCF-style: chr14-23402732-A-G. GRCh37 (hg19) VCF-style: chr14-23871941-A-G.
Other names: short protein forms S323P.
Identifiers: ClinVar variation 2112125 (VCV002112125.4), dbSNP rs1452932809, ClinGen allele CA389026948.
Genomic context (GRCh38, chr14:23,402,732, plus strand): 5'-CGGCCGCAGCAGCCCCCTCACTCACATCGGTGGCCATGAGCTCCTCGGAGTCATCAATGG[A>G]GGCCACGGACACCTCTCCCTGAGACACGAAGGCGTAGTCGTAGGGATTGTTGGTGACCAG-3'
Protein context (NP_002462.2, residues 313-333): FVSQGEVSVA[Ser323Pro]IDDSEELMAT

ClinVar aggregate classification (germline): Uncertain significance (1 of 4 stars; one submission).

Conditions:
Hypertrophic cardiomyopathy 14. Identifiers: MedGen C2750467, MONDO:0013197, OMIM 613251.

Submission:

Labcorp Genetics (formerly Invitae), Labcorp
Classification: Uncertain significance for Hypertrophic cardiomyopathy 14. Last evaluated: 2022-03-14. Review status: criteria provided, single submitter. Criteria: Invitae Variant Classification Sherloc (09022015). Collection method: clinical testing. Allele origin: germline.
Comment: In summary, the available evidence is currently insufficient to determine the role of this variant in disease. Therefore, it has been classified as a Variant of Uncertain Significance. Algorithms developed to predict the effect of missense changes on protein structure and function are either unavailable or do not agree on the potential impact of this missense change (SIFT: "Tolerated"; PolyPhen-2: "Possibly Damaging"; Align-GVGD: "Class C0"). This variant has not been reported in the literature in individuals affected with MYH6-related conditions. This variant is not present in population databases (gnomAD no frequency). This sequence change replaces serine, which is neutral and polar, with proline, which is neutral and non-polar, at codon 323 of the MYH6 protein (p.Ser323Pro).